The following is an entry in ClinVar:

NM_005502.4(ABCA1):c.2848T>C (p.Phe950Leu)

Gene: ABCA1 (ATP binding cassette subfamily A member 1; minus strand). Cytogenetic location: 9q31.1.
Variant type: single nucleotide variant.
Coding change: c.2848T>C on transcript NM_005502.4 (MANE Select); coding-DNA position 2848, T replaced by C.
Protein change: p.Phe950Leu; replaces phenylalanine 950 with leucine.
Molecular consequence: missense variant.
Genome position (GRCh38, 1-based): chr9:104,821,487, A>G on the plus strand (T>C on the coding strand, the complement: ABCA1 is on the minus strand). VCF-style: chr9-104821487-A-G. GRCh37 (hg19) VCF-style: chr9-107583768-A-G.
Other names: short protein forms F950L.
Identifiers: ClinVar variation 1796795 (VCV001796795.2), dbSNP rs1832343132, ClinGen allele CA374320043.

ClinVar aggregate classification (germline): Uncertain significance (1 of 4 stars; one submission).

Conditions:
Cardiovascular phenotype. Identifiers: MedGen CN230736.

Allele frequency attached by ClinVar (database versions not stated): gnomAD exomes below 0.00001; gnomAD 0.00001.
gnomAD v4.1: 3 of 1,613,814 alleles (0.00019%); highest among the groups gnomAD compares: Admixed American, 0.0017%; no homozygotes.

Submission:

Ambry Genetics
Classification: Uncertain significance for Cardiovascular phenotype. Last evaluated: 2021-11-19. Review status: criteria provided, single submitter. Criteria: Ambry Variant Classification Scheme 2023. Collection method: clinical testing. Allele origin: germline.
Comment: The p.F950L variant (also known as c.2848T>C), located in coding exon 19 of the ABCA1 gene, results from a T to C substitution at nucleotide position 2848. The phenylalanine at codon 950 is replaced by leucine, an amino acid with highly similar properties. This amino acid position is conserved. In addition, the in silico prediction for this alteration is inconclusive. Since supporting evidence is limited at this time, the clinical significance of this alteration remains unclear.